The following is an entry in ClinVar:

ClinVar aggregate classification (germline): Uncertain significance. Review status: criteria provided, multiple submitters, no conflicts (2 of 4 stars). 3 submissions from 3 submitters: Uncertain significance (3). Last evaluated 2024-05-20.

Conditions:
Joubert syndrome 16 (JBTS16). Identifiers: Orphanet 2318, MedGen C3280906, MONDO:0013764, OMIM 614465.

Allele frequency attached by ClinVar (database versions not stated): ExAC 0.00001; gnomAD exomes 0.00001 and 0.00003; gnomAD 0.00003; TOPMed 0.00003.
gnomAD v4.1: 56 of 1,613,820 alleles (0.0035%); highest among the groups gnomAD compares: Non-Finnish European, 0.004%; no homozygotes.

Submissions (3):

GeneDx
Classification: Uncertain significance. Last evaluated: 2024-05-20. Review status: criteria provided, single submitter. Criteria: GeneDx Variant Classification Process June 2021. Collection method: clinical testing. Allele origin: germline. Affected: yes.
Comment: Not observed at significant frequency in large population cohorts (gnomAD); In silico analysis supports that this missense variant has a deleterious effect on protein structure/function; Has not been previously published as pathogenic or benign to our knowledge; Located in the Extratransmembrane region 4 (PMID: 22282472); This variant is associated with the following publications: (PMID: 22282472)

Mayo Clinic Laboratories, Mayo Clinic
Classification: Uncertain significance. Last evaluated: 2023-09-27. Review status: criteria provided, single submitter. Criteria: ACMG Guidelines, 2015. Collection method: clinical testing. Allele origin: germline. Observed: 1 variant allele.
Comment: PP3

Labcorp Genetics (formerly Invitae), Labcorp
Classification: Uncertain significance for Joubert syndrome 16. Last evaluated: 2021-11-27. Review status: criteria provided, single submitter. Criteria: Invitae Variant Classification Sherloc (09022015). Collection method: clinical testing. Allele origin: germline.
Comment: This sequence change replaces arginine, which is basic and polar, with tryptophan, which is neutral and slightly polar, at codon 136 of the TMEM138 protein (p.Arg136Trp). This variant is present in population databases (rs750788154, gnomAD no frequency). This variant has not been reported in the literature in individuals affected with TMEM138-related conditions. ClinVar contains an entry for this variant (Variation ID: 852535). Algorithms developed to predict the effect of missense changes on protein structure and function are either unavailable or do not agree on the potential impact of this missense change (SIFT: "Deleterious"; PolyPhen-2: "Probably Damaging"; Align-GVGD: "Class C15"). In summary, the available evidence is currently insufficient to determine the role of this variant in disease. Therefore, it has been classified as a Variant of Uncertain Significance.

NM_016464.5(TMEM138):c.406C>T (p.Arg136Trp)

Gene: TMEM138 (transmembrane protein 138; plus strand). Cytogenetic location: 11q12.2.
Variant type: single nucleotide variant.
Coding change: c.406C>T on transcript NM_016464.5 (MANE Select); coding-DNA position 406, C replaced by T.
Protein change: p.Arg136Trp; replaces arginine 136 with tryptophan.
Molecular consequence: missense variant. On other transcripts: non-coding transcript variant (1).
Genome position (GRCh38, 1-based): chr11:61,368,626, C>T. VCF-style: chr11-61368626-C-T. GRCh37 (hg19) VCF-style: chr11-61136098-C-T.
Other names: p.Arg136Trp; c.232C>T, p.Arg78Trp (NM_001330281.2); short protein forms R136W, R78W.
Identifiers: ClinVar variation 852535 (VCV000852535.7), dbSNP rs750788154, ClinGen allele CA6034650.